The following is an entry in ClinVar:

ClinVar aggregate classification (germline): Uncertain significance (1 of 4 stars; one submission).

Allele frequency attached by ClinVar (database versions not stated): gnomAD exomes below 0.00001; gnomAD 0.00003.
gnomAD v4.1: 5 of 1,584,032 alleles (0.00032%); highest among the groups gnomAD compares: African/African-American, 0.0067%; no homozygotes.

Submission:

Labcorp Genetics (formerly Invitae), Labcorp
Classification: Uncertain significance. Last evaluated: 2024-05-01. Review status: criteria provided, single submitter. Criteria: Invitae Variant Classification Sherloc (09022015). Collection method: clinical testing. Allele origin: germline.
Comment: This sequence change replaces proline, which is neutral and non-polar, with leucine, which is neutral and non-polar, at codon 726 of the FUK protein (p.Pro726Leu). This variant is not present in population databases (gnomAD no frequency). This variant has not been reported in the literature in individuals affected with FUK-related conditions. An algorithm developed to predict the effect of missense changes on protein structure and function (PolyPhen-2) suggests that this variant is likely to be disruptive. In summary, the available evidence is currently insufficient to determine the role of this variant in disease. Therefore, it has been classified as a Variant of Uncertain Significance.

NM_145059.3(FCSK):c.2177C>T (p.Pro726Leu)

Gene: FCSK (fucose kinase; plus strand). Cytogenetic location: 16q22.1.
Variant type: single nucleotide variant.
Coding change: c.2177C>T on transcript NM_145059.3 (MANE Select); coding-DNA position 2177, C replaced by T.
Protein change: p.Pro726Leu; replaces proline 726 with leucine.
Molecular consequence: missense variant.
Genome position (GRCh38, 1-based): chr16:70,474,811, C>T. VCF-style: chr16-70474811-C-T. GRCh37 (hg19) VCF-style: chr16-70508714-C-T.
Other names: short protein forms P726L.
Identifiers: ClinVar variation 3005081 (VCV003005081.3), dbSNP rs1234370264, ClinGen allele CA396572718.
Genomic context (GRCh38, chr16:70,474,811, plus strand): 5'-GCTTCTGTGACCAGCTTGAGTCTTGCCACACTGCCATAGGGGGCTGGAGTGACACGCCAC[C>T]CCTTGCCTATGAGCTTGGCGGGGCTGTGCTGGGCCTGGCTGTGCGAGTGGACGGCCGCCG-3'
Protein context (NP_659496.2, residues 716-736): DFSGGWSDTP[Pro726Leu]LAYELGGAVL